The following is an entry in ClinVar:

ClinVar aggregate classification (germline): Uncertain significance (0 of 4 stars; one submission).

Conditions:
NRP2-related disorder. Also called: NRP2-related condition.

gnomAD v4.1: 1 of 1,614,174 alleles (0.000062%); highest among the groups gnomAD compares: Non-Finnish European, 0.000085%; no homozygotes.

Submission:

PreventionGenetics, part of Exact Sciences
Classification: Uncertain significance for NRP2-related condition. Last evaluated: 2023-11-11. Review status: no assertion criteria provided. Collection method: clinical testing. Allele origin: germline.
Comment: The NRP2 c.2548C>G variant is predicted to result in the amino acid substitution p.Pro850Ala. To our knowledge, this variant has not been reported in the literature or in a large population database, indicating this variant is rare. At this time, the clinical significance of this variant is uncertain due to the absence of conclusive functional and genetic evidence.

NM_003872.3(NRP2):c.2533C>G (p.Pro845Ala)

Gene: NRP2 (neuropilin 2; plus strand). Cytogenetic location: 2q33.3.
Variant type: single nucleotide variant.
Coding change: c.2533C>G on transcript NM_003872.3 (MANE Select); coding-DNA position 2533, C replaced by G.
Protein change: p.Pro845Ala; replaces proline 845 with alanine.
Molecular consequence: missense variant.
Genome position (GRCh38, 1-based): chr2:205,794,810, C>G. VCF-style: chr2-205794810-C-G. GRCh37 (hg19) VCF-style: chr2-206659534-C-G.
Other names: c.2548C>G, p.Pro850Ala (NM_201266.2); c.2482C>G, p.Pro828Ala (NM_201279.2); short protein forms P828A, P845A, P850A.
Identifiers: ClinVar variation 3349316 (VCV003349316.1).